The following is an entry in ClinVar:

ClinVar aggregate classification (germline): Pathogenic/Likely pathogenic. Review status: criteria provided, multiple submitters, no conflicts (2 of 4 stars). 2 submissions from 2 submitters: Pathogenic (1); Likely pathogenic (1). Last evaluated 2026-09-08.

Conditions:
Fabry disease. Also called: Fabry's disease; Angiokeratoma corporis diffusum; CERAMIDE TRIHEXOSIDASE DEFICIENCY; GLA DEFICIENCY; HEREDITARY DYSTOPIC LIPIDOSIS; ALPHA-GALACTOSIDASE A DEFICIENCY. Identifiers: Orphanet 324, MedGen C0002986, MONDO:0010526, OMIM 301500, HP:0001071. Disease mechanism: loss of function, Fabry disease is due to inactivating mutations in the X-linked GLA gene resulting in deficiency of the enzyme Alpha Galactosidase-A..

Submissions (3):

Genomenon, Inc
Classification: Pathogenic for Fabry disease. Last evaluated: 2026-09-08. Review status: criteria provided, single submitter. Criteria: Genomenon Sequence Variant Interpretation Standards - Updated. Collection method: curation. Allele origin: germline. Affected: yes.
Comment: GLA c.801+1G>C is a canonical splice variant affecting the donor splice site of intron 5. It is predicted to affect mRNA splicing, leading to a deleterious effect on the GLA protein. This variant has been observed in at least one proband with clinical features consistent with Fabry disease (PMID:16148726). It is absent or not present at a significant frequency in gnomAD. In conclusion, we classify GLA c.801+1G>C as a pathogenic variant.

Women's Health and Genetics/Laboratory Corporation of America, LabCorp
Classification: Likely pathogenic for Fabry disease. Last evaluated: 2019-08-13. Review status: criteria provided, single submitter. Criteria: LabCorp Variant Classification Summary - May 2015. Collection method: clinical testing. Allele origin: germline.
Comment: Variant summary: GLA c.801+1G>C is located in a canonical splice-site and is predicted to affect mRNA splicing resulting in a significantly altered protein due to either exon skipping, shortening, or inclusion of intronic material. Several computational tools predict a significant impact on normal splicing: Five predict the variant abolishes a 5' splicing donor site. However, these predictions have yet to be confirmed by functional studies. The variant was absent in 183449 control chromosomes (gnomAD). To our knowledge, no occurrence of c.801+1G>C in individuals affected with Fabry Disease and no experimental evidence demonstrating its impact on protein function have been reported. No clinical diagnostic laboratories have submitted clinical-significance assessments for this variant to ClinVar after 2014. Based on the evidence outlined above, the variant was classified as likely pathogenic.

Dr. Peter K. Rogan Lab, Western University
No classification provided (evidence only). Condition: Thyroid cancer, nonmedullary, 1. Review status: no classification provided. Collection method: in vitro. Allele origin: not applicable. Functional consequence: retained intron. Not counted in ClinVar's aggregate classification.

Literature cited by the submitters: PubMed 16148726 (cited by Genomenon, Inc).

NM_000169.3(GLA):c.801+1G>C

Genes: GLA (galactosidase alpha; minus strand), RPL36A-HNRNPH2 (RPL36A-HNRNPH2 readthrough; plus strand). Cytogenetic location: Xq22.1.
Variant type: single nucleotide variant.
Coding change: c.801+1G>C on transcript NM_000169.3 (MANE Select); the canonical splice donor site of the intron after coding-DNA position 801, G replaced by C.
Molecular consequence: splice donor variant. On other transcripts: intron variant (2).
Genome position (GRCh38, 1-based): chrX:101,398,784, C>G on the plus strand (G>C on the coding strand, the complement: GLA is on the minus strand). VCF-style: chrX-101398784-C-G. GRCh37 (hg19) VCF-style: chrX-100653772-C-G.
Other names: NC_000023.10:g.100653772C>G; c.300+3327C>G (NM_001199973.2); c.177+6962C>G (NM_001199974.2); c.924+1G>C (NM_001406747.1); c.801+1G>C (NM_001406748.1).
Identifiers: ClinVar variation 928733 (VCV000928733.4), dbSNP rs868923658, ClinGen allele CA413923758.